The following is an entry in ClinVar:

NM_004370.6(COL12A1):c.4155G>T (p.Leu1385Phe)

Gene: COL12A1 (collagen type XII alpha 1 chain; minus strand). Cytogenetic location: 6q13.
Variant type: single nucleotide variant.
Coding change: c.4155G>T on transcript NM_004370.6 (MANE Select); coding-DNA position 4155, G replaced by T.
Protein change: p.Leu1385Phe; replaces leucine 1385 with phenylalanine.
Molecular consequence: missense variant.
Genome position (GRCh38, 1-based): chr6:75,148,490, C>A on the plus strand (G>T on the coding strand, the complement: COL12A1 is on the minus strand). VCF-style: chr6-75148490-C-A. GRCh37 (hg19) VCF-style: chr6-75858206-C-A.
Other names: c.4155G>T, p.Leu1385Phe (NM_001424113.1, NM_001424114.1); c.3882G>T, p.Leu1294Phe (NM_001424115.1); c.663G>T, p.Leu221Phe (NM_001424116.1, NM_080645.3); short protein forms L1294F, L1385F, L221F.
Identifiers: ClinVar variation 4783408 (VCV004783408.1).
Genomic context (GRCh38, chr6:75,148,490, plus strand): 5'-CCAGCTCACTCTAAAAGAACGATGGGTTCGCTCAGAAATAACTAAGTTAGAAGGTGCTTC[C>A]AAATCACCTACACATGGAAATAAAGGGTATACACTTTTCTCATTATTGTAGAAAGGTGAC-3'
Protein context (NP_004361.3, residues 1375-1395): LCNSVKGPGD[Leu1385Phe]EAPSNLVISE

ClinVar aggregate classification (germline): Uncertain significance (1 of 4 stars; one submission).

Conditions:
Ullrich congenital muscular dystrophy 2 (UCMD2). Identifiers: Orphanet 75840, MedGen C4225314, MONDO:0014654, OMIM 616470.
Bethlem myopathy 2 (BTHLM2). Identifiers: Orphanet 536516, Orphanet 610, MedGen C4225313, MONDO:0034022, OMIM 616471.

Submission:

Labcorp Genetics (formerly Invitae), Labcorp
Classification: Uncertain significance for Bethlem myopathy 2; Ullrich congenital muscular dystrophy 2. Last evaluated: 2026-01-24. Review status: criteria provided, single submitter. Criteria: Invitae Variant Classification Sherloc (09022015). Collection method: clinical testing. Allele origin: germline.
Comment: This sequence change replaces leucine, which is neutral and non-polar, with phenylalanine, which is neutral and non-polar, at codon 1385 of the COL12A1 protein (p.Leu1385Phe). This variant is not present in population databases (gnomAD no frequency). This variant has not been reported in the literature in individuals affected with COL12A1-related conditions. Invitae Evidence Modeling of protein sequence and biophysical properties (such as structural, functional, and spatial information, amino acid conservation, physicochemical variation, residue mobility, and thermodynamic stability) indicates that this missense variant is not expected to disrupt COL12A1 protein function with a negative predictive value of 80%. In summary, the available evidence is currently insufficient to determine the role of this variant in disease. Therefore, it has been classified as a Variant of Uncertain Significance.